The following is an entry in ClinVar:

NM_014141.6(CNTNAP2):c.1566G>C (p.Gln522His)

Gene: CNTNAP2 (contactin associated protein 2; plus strand). Cytogenetic location: 7q35.
Variant type: single nucleotide variant.
Coding change: c.1566G>C on transcript NM_014141.6 (MANE Select); coding-DNA position 1566, G replaced by C.
Protein change: p.Gln522His; replaces glutamine 522 with histidine.
Molecular consequence: missense variant.
Genome position (GRCh38, 1-based): chr7:147,395,676, G>C. VCF-style: chr7-147395676-G-C. GRCh37 (hg19) VCF-style: chr7-147092768-G-C.
Other names: short protein forms Q522H.
Identifiers: ClinVar variation 434805 (VCV000434805.17), dbSNP rs535454043, ClinGen allele CA4546110.
Genomic context (GRCh38, chr7:147,395,676, plus strand): 5'-GAACCAGATGAATAACTCAAGTCACTCTGTCCTTCAGCCTTCATTCCAAGGATGCATGCA[G>C]CTCATTCAAGTGGACGATCAACTTGTAAATTTATACGAAGTGGCACAAAGGAAGCCGGGA-3'
Protein context (NP_054860.1, residues 512-532): VLQPSFQGCM[Gln522His]LIQVDDQLVN

ClinVar aggregate classification (germline): Uncertain significance. Review status: criteria provided, multiple submitters, no conflicts (2 of 4 stars). 5 submissions from 5 submitters: Uncertain significance (5). Last evaluated 2025-10-15.

Conditions:
Cortical dysplasia-focal epilepsy syndrome (PTHSL1). Also called: Pitt-Hopkins-like syndrome 1. Identifiers: Orphanet 163681, Orphanet 221150, MedGen C2750246, MONDO:0012400, OMIM 610042.
Inborn genetic diseases. Identifiers: MedGen C0950123, MeSH D030342.

gnomAD v4.1: 41 of 1,612,590 alleles (0.0025%); highest among the groups gnomAD compares: Non-Finnish European, 0.0031%; no homozygotes.

Submissions (5):

Ambry Genetics
Classification: Uncertain significance for Inborn genetic diseases. Last evaluated: 2025-10-15. Review status: criteria provided, single submitter. Criteria: Ambry Variant Classification Scheme 2023. Collection method: clinical testing. Allele origin: germline.

Blueprint Genetics
Classification: Uncertain significance. Last evaluated: 2023-09-27. Review status: criteria provided, single submitter. Criteria: ACMG Guidelines, 2015. Collection method: clinical testing. Allele origin: germline.

Labcorp Genetics (formerly Invitae), Labcorp
Classification: Uncertain significance for Cortical dysplasia-focal epilepsy syndrome. Last evaluated: 2022-04-28. Review status: criteria provided, single submitter. Criteria: Invitae Variant Classification Sherloc (09022015). Collection method: clinical testing. Allele origin: germline.
Comment: This sequence change replaces glutamine, which is neutral and polar, with histidine, which is basic and polar, at codon 522 of the CNTNAP2 protein (p.Gln522His). This variant is present in population databases (rs535454043, gnomAD 0.005%). This variant has not been reported in the literature in individuals affected with CNTNAP2-related conditions. ClinVar contains an entry for this variant (Variation ID: 434805). Algorithms developed to predict the effect of missense changes on protein structure and function are either unavailable or do not agree on the potential impact of this missense change (SIFT: "Deleterious"; PolyPhen-2: "Benign"; Align-GVGD: "Class C0"). In summary, the available evidence is currently insufficient to determine the role of this variant in disease. Therefore, it has been classified as a Variant of Uncertain Significance.

GeneDx
Classification: Uncertain significance. Last evaluated: 2021-05-25. Review status: criteria provided, single submitter. Criteria: GeneDx Variant Classification Process June 2021. Collection method: clinical testing. Allele origin: germline. Affected: yes.
Comment: In silico analysis, which includes protein predictors and evolutionary conservation, supports that this variant does not alter protein structure/function; Has not been previously published as pathogenic or benign to our knowledge

Genetic Services Laboratory, University of Chicago
Classification: Uncertain significance. Last evaluated: 2016-11-02. Review status: criteria provided, single submitter. Criteria: ACMG Guidelines, 2015. Collection method: clinical testing. Allele origin: germline. Affected: no.